The following is an entry in ClinVar:

ClinVar aggregate classification (germline): Uncertain significance. Review status: criteria provided, multiple submitters, no conflicts (2 of 4 stars). 2 submissions from 2 submitters: Uncertain significance (2). Last evaluated 2024-10-15.

Conditions:
Inborn genetic diseases. Identifiers: MedGen C0950123, MeSH D030342.

gnomAD v4.1: 7 of 1,611,662 alleles (0.00043%); highest among the groups gnomAD compares: Non-Finnish European, 0.00034%; no homozygotes.

Submissions (2):

Labcorp Genetics (formerly Invitae), Labcorp
Classification: Uncertain significance. Last evaluated: 2024-10-15. Review status: criteria provided, single submitter. Criteria: Invitae Variant Classification Sherloc (09022015). Collection method: clinical testing. Allele origin: germline.
Comment: This sequence change replaces isoleucine, which is neutral and non-polar, with methionine, which is neutral and non-polar, at codon 523 of the FOCAD protein (p.Ile523Met). This variant is not present in population databases (gnomAD no frequency). This variant has not been reported in the literature in individuals affected with FOCAD-related conditions. In summary, the available evidence is currently insufficient to determine the role of this variant in disease. Therefore, it has been classified as a Variant of Uncertain Significance.

Ambry Genetics
Classification: Uncertain significance for Inborn genetic diseases. Last evaluated: 2024-08-21. Review status: criteria provided, single submitter. Criteria: Ambry Variant Classification Scheme 2023. Collection method: clinical testing. Allele origin: germline.

NM_001375567.1(FOCAD):c.1569A>G (p.Ile523Met)

Gene: FOCAD (focadhesin; plus strand). Cytogenetic location: 9p21.3.
Variant type: single nucleotide variant.
Coding change: c.1569A>G on transcript NM_001375567.1 (MANE Select); coding-DNA position 1569, A replaced by G.
Protein change: p.Ile523Met; replaces isoleucine 523 with methionine.
Molecular consequence: missense variant.
Genome position (GRCh38, 1-based): chr9:20,820,332, A>G. VCF-style: chr9-20820332-A-G. GRCh37 (hg19) VCF-style: chr9-20820331-A-G.
Other names: c.1464A>G, p.Ile488Met (NM_001375568.1, NM_001375570.1); c.1569A>G, p.Ile523Met (NM_017794.5); short protein forms I523M, I488M.
Identifiers: ClinVar variation 3516511 (VCV003516511.3).